The following is an entry in ClinVar:

ClinVar aggregate classification (germline): Benign/Likely benign. Review status: criteria provided, multiple submitters, no conflicts (2 of 4 stars). 7 submissions from 7 submitters: Benign (3); Likely benign (3). 1 of the submissions does not count toward it. Last evaluated 2026-03-01.

Conditions:
RASA1-related disorder. Also called: RASA1-related condition.
Cardiovascular phenotype. Identifiers: MedGen CN230736.
Capillary malformation-arteriovenous malformation syndrome. Also called: Capillary malformation-arteriovenous malformation. Identifiers: Orphanet 137667, MedGen C1842180, MONDO:0012016.

Allele frequency attached by ClinVar (database versions not stated): gnomAD 0.00096; ESP Exome Variant Server 0.00023; ExAC 0.00133; 1000 Genomes Project 30x 0.00203; gnomAD exomes 0.00041 and 0.00137; 1000 Genomes Project 0.00240; TOPMed 0.00102.
gnomAD v4.1: 736 of 1,612,684 alleles (0.046%); highest among the groups gnomAD compares: East Asian, 1.1%; 9 homozygotes.

Submissions (7):

CeGaT Center for Human Genetics Tuebingen
Classification: Likely benign. Last evaluated: 2026-03-01. Review status: criteria provided, single submitter. Criteria: CeGaT Center For Human Genetics Tuebingen Variant Classification Criteria Version 2. Collection method: clinical testing. Allele origin: germline. Affected: yes. Observed: 1 variant allele.
Comment: RASA1: BS1

Labcorp Genetics (formerly Invitae), Labcorp
Classification: Benign for Capillary malformation-arteriovenous malformation syndrome. Last evaluated: 2026-01-28. Review status: criteria provided, single submitter. Criteria: Invitae Variant Classification Sherloc (09022015). Collection method: clinical testing. Allele origin: germline.

ARUP Laboratories, Molecular Genetics and Genomics, ARUP Laboratories
Classification: Benign. Last evaluated: 2025-04-01. Review status: criteria provided, single submitter. Criteria: ARUP Molecular Germline Variant Investigation Process 2024. Collection method: clinical testing. Allele origin: germline.

GeneDx
Classification: Likely benign. Last evaluated: 2024-04-15. Review status: criteria provided, single submitter. Criteria: GeneDx Variant Classification Process June 2021. Collection method: clinical testing. Allele origin: germline. Affected: yes.
Comment: See Variant Classification Assertion Criteria.

Ambry Genetics
Classification: Benign for Cardiovascular phenotype. Last evaluated: 2018-12-04. Review status: criteria provided, single submitter. Criteria: Ambry Variant Classification Scheme 2023. Collection method: clinical testing. Allele origin: germline.

Breakthrough Genomics
Classification: Likely benign. Review status: criteria provided, single submitter. Criteria: ACMG Guidelines, 2015. Collection method: not provided. Allele origin: germline. Inheritance: Autosomal dominant inheritance. Affected: yes.

PreventionGenetics, part of Exact Sciences
Classification: Benign for RASA1-related condition. Last evaluated: 2020-03-11. Review status: no assertion criteria provided. Collection method: clinical testing. Allele origin: germline. Not counted in ClinVar's aggregate classification.
Comment: This variant is classified as benign based on ACMG/AMP sequence variant interpretation guidelines (Richards et al. 2015 PMID: 25741868, with internal and published modifications).

NM_002890.3(RASA1):c.2528C>A (p.Thr843Asn)

Genes: CCNH (cyclin H; minus strand), RASA1 (RAS p21 protein activator 1; plus strand). Cytogenetic location: 5q14.3.
Variant type: single nucleotide variant.
Coding change: c.2528C>A on transcript NM_002890.3 (MANE Select); coding-DNA position 2528, C replaced by A.
Protein change: p.Thr843Asn; replaces threonine 843 with asparagine.
Molecular consequence: missense variant. On other transcripts: intron variant (1).
Genome position (GRCh38, 1-based): chr5:87,379,775, C>A. VCF-style: chr5-87379775-C-A. GRCh37 (hg19) VCF-style: chr5-86675592-C-A.
Other names: c.933+15269G>T (NM_001364075.2); c.1997C>A, p.Thr666Asn (NM_022650.3); short protein forms T843N, T666N.
Identifiers: ClinVar variation 239411 (VCV000239411.63), dbSNP rs184201084, ClinGen allele CA3336018.